The following is an entry in ClinVar:

ClinVar aggregate classification (germline): Likely benign (1 of 4 stars; one submission).

Allele frequency attached by ClinVar (database versions not stated): gnomAD 0.00005; TOPMed 0.00005; ESP Exome Variant Server 0.00008.

Submission:

CeGaT Center for Human Genetics Tuebingen
Classification: Likely benign. Last evaluated: 2024-03-01. Review status: criteria provided, single submitter. Criteria: CeGaT Center For Human Genetics Tuebingen Variant Classification Criteria Version 2. Collection method: clinical testing. Allele origin: germline. Affected: yes. Observed: 1 variant allele.
Comment: NOS2: BP4, BP7

NM_000625.4(NOS2):c.1509C>T (p.Asp503=)

Gene: NOS2 (nitric oxide synthase 2; minus strand). Cytogenetic location: 17q11.2.
Variant type: single nucleotide variant.
Coding change: c.1509C>T on transcript NM_000625.4 (MANE Select); coding-DNA position 1509, C replaced by T.
Protein change: p.Asp503=; no amino-acid change (aspartic acid 503 retained).
Molecular consequence: synonymous variant.
Genome position (GRCh38, 1-based): chr17:27,773,211, G>A on the plus strand (C>T on the coding strand, the complement: NOS2 is on the minus strand). VCF-style: chr17-27773211-G-A. GRCh37 (hg19) VCF-style: chr17-26100237-G-A.
Identifiers: ClinVar variation 3067463 (VCV003067463.21), dbSNP rs201161495, ClinGen allele CA8454709.